The following is an entry in ClinVar:

ClinVar aggregate classification (germline): Likely benign (1 of 4 stars; one submission).

Submission:

GeneDx
Classification: Likely benign. Last evaluated: 2019-12-18. Review status: criteria provided, single submitter. Criteria: GeneDx Variant Classification Process June 2021. Collection method: clinical testing. Allele origin: germline. Affected: yes.
Comment: See Variant Classification Assertion Criteria.

NM_000553.6(WRN):c.2089-3135del

Gene: WRN (WRN RecQ like helicase; plus strand). Cytogenetic location: 8p12.
Variant type: Deletion.
Coding change: c.2089-3135del on transcript NM_000553.6 (MANE Select); 3135 bases into the intron before coding-DNA position 2089, one base deleted (T; older notation c.2089-3135delT).
Molecular consequence: intron variant.
Genome position (GRCh38, 1-based): chr8:31,108,480, T deleted; the last of 9 consecutive T bases (chr8:31,108,472-31,108,480); deleting any one gives the same sequence. VCF-style (leftmost placement, unchanged base first): chr8-31108471-AT-A. GRCh37 (hg19) VCF-style: chr8-30965987-AT-A.
Identifiers: ClinVar variation 2500618 (VCV002500618.1), dbSNP rs894106381, ClinGen allele CA174874556.